The following is an entry in ClinVar:

ClinVar aggregate classification (germline): Uncertain significance (1 of 4 stars; one submission).

Submission:

Labcorp Genetics (formerly Invitae), Labcorp
Classification: Uncertain significance. Last evaluated: 2022-08-16. Review status: criteria provided, single submitter. Criteria: Invitae Variant Classification Sherloc (09022015). Collection method: clinical testing. Allele origin: germline.
Comment: This variant is not present in population databases (gnomAD no frequency). This sequence change replaces threonine, which is neutral and polar, with isoleucine, which is neutral and non-polar, at codon 2689 of the FAT4 protein (p.Thr2689Ile). This variant has not been reported in the literature in individuals affected with FAT4-related conditions. In summary, the available evidence is currently insufficient to determine the role of this variant in disease. Therefore, it has been classified as a Variant of Uncertain Significance. Advanced modeling of protein sequence and biophysical properties (such as structural, functional, and spatial information, amino acid conservation, physicochemical variation, residue mobility, and thermodynamic stability) performed at Invitae indicates that this missense variant is not expected to disrupt FAT4 protein function.

NM_001291303.3(FAT4):c.8072C>T (p.Thr2691Ile)

Gene: FAT4 (FAT atypical cadherin 4; plus strand). Cytogenetic location: 4q28.1.
Variant type: single nucleotide variant.
Coding change: c.8072C>T on transcript NM_001291303.3 (MANE Select); coding-DNA position 8072, C replaced by T.
Protein change: p.Thr2691Ile; replaces threonine 2691 with isoleucine.
Molecular consequence: missense variant.
Genome position (GRCh38, 1-based): chr4:125,449,082, C>T. VCF-style: chr4-125449082-C-T. GRCh37 (hg19) VCF-style: chr4-126370237-C-T.
Other names: c.8072C>T, p.Thr2691Ile (NM_001291285.3); c.8066C>T, p.Thr2689Ile (NM_024582.6); short protein forms T2689I, T2691I.
Identifiers: ClinVar variation 1716541 (VCV001716541.5), dbSNP rs2530893335, ClinGen allele CA358144972.
Genomic context (GRCh38, chr4:125,449,082, plus strand): 5'-TTAAGGAAGACCCATTTATATCTGAAATATTGGAAAACCTTTCCCCTCGAAAAATACTTA[C>T]TGTTTCGGCAATGGACAAGGACAGTGGACCCAATGGACAGTTAGATTATGAAATTGTTAA-3'
Protein context (NP_001278232.1, residues 2681-2701): LENLSPRKIL[Thr2691Ile]VSAMDKDSGP